The following is an entry in ClinVar:

NM_001104631.2(PDE4D):c.1287+6G>A

Gene: PDE4D (phosphodiesterase 4D; minus strand). Cytogenetic location: 5q11.2.
Variant type: single nucleotide variant.
Coding change: c.1287+6G>A on transcript NM_001104631.2 (MANE Select); 6 bases into the intron after coding-DNA position 1287, G replaced by A.
Molecular consequence: intron variant.
Genome position (GRCh38, 1-based): chr5:58,990,798, C>T on the plus strand (G>A on the coding strand, the complement: PDE4D is on the minus strand). VCF-style: chr5-58990798-C-T. GRCh37 (hg19) VCF-style: chr5-58286625-C-T.
Other names: c.1104+6G>A (NM_001364599.1, NM_001165899.2); c.519+6G>A (NM_001349243.2, NM_001364604.1); c.1074+6G>A (NM_001349241.2); c.1095+6G>A (NM_001197218.2); c.381+6G>A (NM_001364603.1, NM_001197221.2); c.879+6G>A (NM_006203.5); c.957+6G>A (NM_001349242.2); c.921+6G>A (NM_001197219.2); and 3 more.
Identifiers: ClinVar variation 353992 (VCV000353992.22), dbSNP rs1553114, ClinGen allele CA3276107.

ClinVar aggregate classification (germline): Benign. Review status: criteria provided, multiple submitters, no conflicts (2 of 4 stars). 7 submissions from 7 submitters: Benign (7). Last evaluated 2026-02-04.

Conditions:
Acrodysostosis 2 with or without hormone resistance. Also called: ACRODYSOSTOSIS 2 WITH HORMONE RESISTANCE; ACRODYSOSTOSIS 2 WITHOUT HORMONE RESISTANCE. Identifiers: Orphanet 280651, MedGen C3553250, MONDO:0013822, OMIM 614613.

Allele frequency attached by ClinVar (database versions not stated): 1000 Genomes Project 0.80931; 1000 Genomes Project 30x 0.81074; gnomAD 0.81559 and 0.81633; ESP Exome Variant Server 0.81653; TOPMed 0.81946; gnomAD exomes 0.83821 and 0.84012; ExAC 0.83838.
gnomAD v4.1: 1,228,995 of 1,467,162 alleles (84%); highest among the groups gnomAD compares: Admixed American, 91%; 515,920 homozygotes.

Submissions (7):

Labcorp Genetics (formerly Invitae), Labcorp
Classification: Benign. Last evaluated: 2026-02-04. Review status: criteria provided, single submitter. Criteria: Invitae Variant Classification Sherloc (09022015). Collection method: clinical testing. Allele origin: germline.

Blueprint Genetics
Classification: Benign. Last evaluated: 2024-11-26. Review status: criteria provided, single submitter. Criteria: ACMG Guidelines, 2015. Collection method: clinical testing. Allele origin: germline.

Genome-Nilou Lab
Classification: Benign for Acrodysostosis 2 with or without hormone resistance. Last evaluated: 2021-09-05. Review status: criteria provided, single submitter. Criteria: ACMG Guidelines, 2015. Collection method: clinical testing. Allele origin: germline. Affected: no.

GeneDx
Classification: Benign. Last evaluated: 2018-07-09. Review status: criteria provided, single submitter. Criteria: GeneDx Variant Classification Process June 2021. Collection method: clinical testing. Allele origin: germline. Affected: yes.

Illumina Laboratory Services, Illumina
Classification: Benign for Acrodysostosis 2 with or without hormone resistance. Last evaluated: 2018-01-13. Review status: criteria provided, single submitter. Criteria: ICSL Variant Classification Criteria 13 December 2019. Collection method: clinical testing. Allele origin: germline.
Comment: This variant was observed in the ICSL laboratory as part of a predisposition screen in an ostensibly healthy population. It had not been previously curated by ICSL or reported in the Human Gene Mutation Database (HGMD: prior to June 1st, 2018), and was therefore a candidate for classification through an automated scoring system. Utilizing variant allele frequency, disease prevalence and penetrance estimates, and inheritance mode, an automated score was calculated to assess if this variant is too frequent to cause the disease. Based on the score and internal cut-off values, a variant classified as benign is not then subjected to further curation. The score for this variant resulted in a classification of benign for this disease.

Laboratory for Molecular Medicine, Mass General Brigham Personalized Medicine
Classification: Benign. Last evaluated: 2016-03-28. Review status: criteria provided, single submitter. Criteria: LMM Criteria. Collection method: clinical testing. Allele origin: germline.
Comment: Variant identified in a genome or exome case(s) and assessed due to predicted null impact of the variant or pathogenic assertions in the literature or databases. Disclaimer: This variant has not undergone full assessment. The following are preliminary notes: Frequency

Breakthrough Genomics
Classification: Benign. Review status: criteria provided, single submitter. Criteria: ACMG Guidelines, 2015. Collection method: not provided. Allele origin: germline. Inheritance: Autosomal dominant inheritance. Affected: yes.